The following is an entry in ClinVar:

NM_024334.3(TMEM43):c.486_489del (p.Asp162fs)

Gene: TMEM43 (transmembrane protein 43; plus strand). Cytogenetic location: 3p25.1.
Variant type: Deletion.
Coding change: c.486_489del on transcript NM_024334.3 (MANE Select); coding-DNA positions 486 to 489, 4 bases deleted (CCGA; older notation c.486_489delCCGA).
Protein change: p.Asp162fs; shifts the reading frame from aspartic acid 162.
Molecular consequence: frameshift variant.
Genome position (GRCh38, 1-based): chr3:14,132,909-14,132,912, CCGA deleted; deleting any 4 consecutive bases within chr3:14,132,906-14,132,912 gives the same sequence; the c. name uses the placement nearest the transcript's 3' end. VCF-style (leftmost placement, unchanged base first): chr3-14132905-TCGAC-T. GRCh37 (hg19) VCF-style: chr3-14174405-TCGAC-T.
Other names: c.486_489delCCGA (NM_024334.2); short protein forms D162fs.
Identifiers: ClinVar variation 403553 (VCV000403553.5), dbSNP rs1060499910, ClinGen allele CA16609721.

ClinVar aggregate classification (germline): Uncertain significance. Review status: criteria provided, multiple submitters, no conflicts (2 of 4 stars). 2 submissions from 2 submitters: Uncertain significance (2). Last evaluated 2024-07-29.

Conditions:
Arrhythmogenic right ventricular dysplasia 5. Also called: Arrhythmogenic Right Ventricular Dysplasia/Cardiomyopathy 5; ARRHYTHMOGENIC RIGHT VENTRICULAR DYSPLASIA, FAMILIAL, 5. Identifiers: MedGen C1858379, MONDO:0011459, OMIM 604400.

Submissions (2):

All of Us Research Program, National Institutes of Health
Classification: Uncertain significance for Arrhythmogenic right ventricular dysplasia 5. Last evaluated: 2024-07-29. Review status: criteria provided, single submitter. Criteria: ACMG Guidelines, 2015. Collection method: clinical testing. Allele origin: germline. Inheritance: Autosomal dominant inheritance. Observed: 1 variant allele, 1 heterozygote.
Comment: This study involves interpretation of variants in research participants for the purpose of population health screening. Participant phenotype was not available at the time of variant classification. Additional details can be found in publication PMID: 35346344, PMCID: PMC8962531

Laboratory for Molecular Medicine, Mass General Brigham Personalized Medicine
Classification: Uncertain significance. Last evaluated: 2016-06-23. Review status: criteria provided, single submitter. Criteria: LMM Criteria. Collection method: clinical testing. Allele origin: germline.
Comment: Variant identified in a genome or exome case(s) and assessed due to predicted null impact of the variant or pathogenic assertions in the literature or databases. Disclaimer: This variant has not undergone full assessment. The following are preliminary notes: LOF not established disease mechanism for this gene